The following is an entry in ClinVar:

ClinVar aggregate classification (germline): Uncertain significance. Review status: criteria provided, multiple submitters, no conflicts (2 of 4 stars). 2 submissions from 2 submitters: Uncertain significance (2). Last evaluated 2022-02-03.

Conditions:
Inborn genetic diseases. Identifiers: MedGen C0950123, MeSH D030342.

Allele frequency attached by ClinVar (database versions not stated): ExAC 0.00001; gnomAD 0.00001; gnomAD exomes 0.00001 and 0.00002; TOPMed 0.00001.
gnomAD v4.1: 12 of 1,613,300 alleles (0.00074%); highest among the groups gnomAD compares: African/African-American, 0.004%; no homozygotes.

Submissions (2):

Labcorp Genetics (formerly Invitae), Labcorp
Classification: Uncertain significance. Last evaluated: 2022-02-03. Review status: criteria provided, single submitter. Criteria: Invitae Variant Classification Sherloc (09022015). Collection method: clinical testing. Allele origin: germline.
Comment: In summary, the available evidence is currently insufficient to determine the role of this variant in disease. Therefore, it has been classified as a Variant of Uncertain Significance. Algorithms developed to predict the effect of missense changes on protein structure and function are either unavailable or do not agree on the potential impact of this missense change (SIFT: "Tolerated"; PolyPhen-2: "Not Available"; Align-GVGD: "Class C0"). This variant has not been reported in the literature in individuals affected with PTPN23-related conditions. This variant is present in population databases (rs746807105, gnomAD 0.01%). This sequence change replaces arginine, which is basic and polar, with tryptophan, which is neutral and slightly polar, at codon 537 of the PTPN23 protein (p.Arg537Trp).

Ambry Genetics
Classification: Uncertain significance for Inborn genetic diseases. Last evaluated: 2021-11-05. Review status: criteria provided, single submitter. Criteria: Ambry Variant Classification Scheme 2023. Collection method: clinical testing. Allele origin: germline.

NM_015466.4(PTPN23):c.1609C>T (p.Arg537Trp)

Gene: PTPN23 (protein tyrosine phosphatase non-receptor type 23; plus strand). Cytogenetic location: 3p21.31.
Variant type: single nucleotide variant.
Coding change: c.1609C>T on transcript NM_015466.4 (MANE Select); coding-DNA position 1609, C replaced by T.
Protein change: p.Arg537Trp; replaces arginine 537 with tryptophan.
Molecular consequence: missense variant.
Genome position (GRCh38, 1-based): chr3:47,409,054, C>T. VCF-style: chr3-47409054-C-T. GRCh37 (hg19) VCF-style: chr3-47450544-C-T.
Other names: c.1231C>T, p.Arg411Trp (NM_001304482.2); c.1609C>T (NM_015466.2); short protein forms R537W, R411W.
Identifiers: ClinVar variation 1432089 (VCV001432089.7), dbSNP rs746807105, ClinGen allele CA2365771.